The following is an entry in ClinVar:

ClinVar aggregate classification (germline): Likely benign. Review status: criteria provided, single submitter (1 of 4 stars). 2 submissions from 2 submitters: Likely benign (1). 1 of the submissions does not count toward it. Last evaluated 2022-07-13.

Conditions:
C8G-related disorder. Also called: C8G-related condition.

Submissions (2):

Blueprint Genetics
Classification: Likely benign. Last evaluated: 2022-07-13. Review status: criteria provided, single submitter. Criteria: ACMG Guidelines, 2015. Collection method: clinical testing. Allele origin: germline.

PreventionGenetics, part of Exact Sciences
Classification: Likely benign for C8G-related condition. Last evaluated: 2023-01-17. Review status: no assertion criteria provided. Collection method: clinical testing. Allele origin: germline. Not counted in ClinVar's aggregate classification.
Comment: This variant is classified as likely benign based on ACMG/AMP sequence variant interpretation guidelines (Richards et al. 2015 PMID: 25741868, with internal and published modifications).

NM_000606.3(C8G):c.60C>A (p.Gly20=)

Gene: C8G (complement C8 gamma chain; plus strand). Cytogenetic location: 9q34.3.
Variant type: single nucleotide variant.
Coding change: c.60C>A on transcript NM_000606.3 (MANE Select); coding-DNA position 60, C replaced by A.
Protein change: p.Gly20=; no amino-acid change (glycine 20 retained).
Molecular consequence: synonymous variant.
Genome position (GRCh38, 1-based): chr9:136,945,380, C>A. VCF-style: chr9-136945380-C-A. GRCh37 (hg19) VCF-style: chr9-139839832-C-A.
Identifiers: ClinVar variation 3031896 (VCV003031896.3), dbSNP rs767045118, ClinGen allele CA467771122.